The following is an entry in ClinVar:

NM_005655.4(KLF10):c.*7G>A

Gene: KLF10 (KLF transcription factor 10; minus strand). Cytogenetic location: 8q22.3.
Variant type: single nucleotide variant.
Coding change: c.*7G>A on transcript NM_005655.4 (MANE Select); 7 bases downstream of the stop codon, G replaced by A.
Molecular consequence: 3 prime UTR variant. On other transcripts: non-coding transcript variant (2).
Genome position (GRCh38, 1-based): chr8:102,650,125, C>T on the plus strand (G>A on the coding strand, the complement: KLF10 is on the minus strand). VCF-style: chr8-102650125-C-T. GRCh37 (hg19) VCF-style: chr8-103662353-C-T.
Other names: c.*7G>A (NM_001032282.4).
Identifiers: ClinVar variation 1704092 (VCV001704092.3), dbSNP rs138885279, ClinGen allele CA4833405.
Genomic context (GRCh38, chr8:102,650,125, plus strand): 5'-CATTTTTACATCACCACTGGCTCCCGCTGAGACCAAAGTTAGTTCTGACTCTTCACTTTC[C>T]GGTCTGTCACTGTGTGGGAGCAGGGGTTGGAGGTAGAGCAATGTCATTTAGCTTGCTCAC-3'

ClinVar aggregate classification (germline): Likely benign (1 of 4 stars; one submission).

Allele frequency attached by ClinVar (database versions not stated): TOPMed 0.01691; 1000 Genomes Project 30x 0.01811; ESP Exome Variant Server 0.01853; gnomAD 0.01877; 1000 Genomes Project 0.01897; ExAC 0.02320; gnomAD exomes 0.02560.
gnomAD v4.1: 40,157 of 1,613,606 alleles (2.5%); highest among the groups gnomAD compares: South Asian, 4.2%; 631 homozygotes.

Submission:

GeneDx
Classification: Likely benign. Last evaluated: 2022-09-08. Review status: criteria provided, single submitter. Criteria: GeneDx Variant Classification Process June 2021. Collection method: clinical testing. Allele origin: germline. Affected: yes.
Comment: See Variant Classification Assertion Criteria.